The following is an entry in ClinVar:

GRCh38/hg38 1q23.3(chr1:160866658-161315114)x3

Genes: ADAMTS4 (ADAM metallopeptidase with thrombospondin type 1 motif 4; minus strand), APOA2 (apolipoprotein A2; minus strand), ARHGAP30 (Rho GTPase activating protein 30; minus strand), B4GALT3 (beta-1,4-galactosyltransferase 3; minus strand), DEDD (death effector domain containing; minus strand) and 55 more. Cytogenetic location: 1q23.3.
Variant type: copy number gain.
Change: copy number 3 (three copies instead of two) of chr1:160,866,658-161,315,114 (448.5 kb, GRCh38 coordinates, 1-based), cytogenetic band 1q23.3.
Identifiers: ClinVar variation 57815 (VCV000057815.1).

ClinVar aggregate classification (germline): Uncertain significance (1 of 4 stars; one submission).

Submission:

ISCA site 4
Classification: Uncertain significance. Last evaluated: 2011-08-12. Review status: criteria provided, single submitter. Criteria: Kaminsky et al. (Genet Med. 2011). Collection method: clinical testing. Allele origin: paternal. Affected: yes. Observed: 1 variant allele.
Comment: Copy number variation identified through the course of routine clinical cytogenomic testing in postnatal populations. Clinical assertions have been curated as described in Kaminsky et al. 2011.